The following is an entry in ClinVar:

NM_183075.3(CYP2U1):c.5C>T (p.Ser2Leu)

Genes: CYP2U1 (cytochrome P450 family 2 subfamily U member 1; plus strand), CYP2U1-AS1 (CYP2U1 and SGMS2 antisense RNA 1; minus strand). Cytogenetic location: 4q25.
Variant type: single nucleotide variant.
Coding change: c.5C>T on transcript NM_183075.3 (MANE Select); coding-DNA position 5, C replaced by T.
Protein change: p.Ser2Leu; replaces serine 2 with leucine.
Molecular consequence: missense variant.
Genome position (GRCh38, 1-based): chr4:107,931,648, C>T. VCF-style: chr4-107931648-C-T. GRCh37 (hg19) VCF-style: chr4-108852804-C-T.
Other names: short protein forms S2L.
Identifiers: ClinVar variation 966221 (VCV000966221.28), dbSNP rs550088634, ClinGen allele CA3036954.

ClinVar aggregate classification (germline): Conflicting classifications of pathogenicity. Review status: criteria provided, conflicting classifications (1 of 4 stars). 5 submissions from 5 submitters: Uncertain significance (3); Likely benign (1). 1 of the submissions does not count toward it. Last evaluated 2025-07-20.

Conditions:
CYP2U1-related disorder. Also called: CYP2U1-related condition.
Spastic paraplegia. Identifiers: MedGen C0037772, HP:0001258.

Allele frequency attached by ClinVar (database versions not stated): ExAC below 0.00001; 1000 Genomes Project 30x 0.00016; TOPMed 0.00018; 1000 Genomes Project 0.00020.
gnomAD v4.1: 147 of 1,259,232 alleles (0.012%); highest among the groups gnomAD compares: Middle Eastern, 0.12%; no homozygotes.

Submissions (5):

Labcorp Genetics (formerly Invitae), Labcorp
Classification: Likely benign for Spastic paraplegia. Last evaluated: 2025-07-20. Review status: criteria provided, single submitter. Criteria: Invitae Variant Classification Sherloc (09022015). Collection method: clinical testing. Allele origin: germline.

Blueprint Genetics
Classification: Uncertain significance. Last evaluated: 2024-10-24. Review status: criteria provided, single submitter. Criteria: ACMG Guidelines, 2015. Collection method: clinical testing. Allele origin: germline.

CeGaT Center for Human Genetics Tuebingen
Classification: Uncertain significance. Last evaluated: 2024-06-01. Review status: criteria provided, single submitter. Criteria: CeGaT Center For Human Genetics Tuebingen Variant Classification Criteria Version 2. Collection method: clinical testing. Allele origin: germline. Affected: yes. Observed: 1 variant allele.
Comment: CYP2U1: PM2, PP2

Women's Health and Genetics/Laboratory Corporation of America, LabCorp
Classification: Uncertain significance. Last evaluated: 2022-09-08. Review status: criteria provided, single submitter. Criteria: LabCorp Variant Classification Summary - May 2015. Collection method: clinical testing. Allele origin: germline.
Comment: Variant summary: CYP2U1 c.5C>T (p.Ser2Leu) results in a non-conservative amino acid change in the encoded protein sequence. Four of five in-silico tools predict a benign effect of the variant on protein function. The variant allele was found at a frequency of 0.00025 in 150810 control chromosomes (gnomAD v3.1.2). To our knowledge, no occurrence of c.5C>T in individuals affected with Hereditary Spastic Paraplegia 56 and no experimental evidence demonstrating its impact on protein function have been reported. One ClinVar submitter has assessed the variant since 2014: the variant was classified as uncertain significance. Based on the evidence outlined above, the variant was classified as uncertain significance.

PreventionGenetics, part of Exact Sciences
Classification: Likely benign for CYP2U1-related condition. Last evaluated: 2023-01-10. Review status: no assertion criteria provided. Collection method: clinical testing. Allele origin: germline. Not counted in ClinVar's aggregate classification.
Comment: This variant is classified as likely benign based on ACMG/AMP sequence variant interpretation guidelines (Richards et al. 2015 PMID: 25741868, with internal and published modifications).